The following is an entry in ClinVar:

NM_030962.4(SBF2):c.4818C>T (p.Ser1606=)

Genes: SBF2 (SET binding factor 2; minus strand), SBF2-AS1 (SBF2 antisense RNA 1; plus strand), LOC105369149 (uncharacterized LOC105369149; plus strand). Cytogenetic location: 11p15.4.
Variant type: single nucleotide variant.
Coding change: c.4818C>T on transcript NM_030962.4 (MANE Select); coding-DNA position 4818, C replaced by T.
Protein change: p.Ser1606=; no amino-acid change (serine 1606 retained).
Molecular consequence: synonymous variant.
Genome position (GRCh38, 1-based): chr11:9,789,223, G>A on the plus strand (C>T on the coding strand, the complement: SBF2 is on the minus strand). VCF-style: chr11-9789223-G-A. GRCh37 (hg19) VCF-style: chr11-9810770-G-A.
Other names: c.4914C>T, p.Ser1638= (NM_001386339.1); c.4689C>T, p.Ser1563= (NM_001386342.1); c.4818C>T (NM_030962.3).
Identifiers: ClinVar variation 1154922 (VCV001154922.11), dbSNP rs760444889, ClinGen allele CA5880884.
Genomic context (GRCh38, chr11:9,789,223, plus strand): 5'-TGGCCACACTGTTCTCCTCTGGCTCCGTGGCCCAGCTTCTCCAGCCAGGTCAGAGTCTTC[G>A]GAGGGGAAGTGCTTGGGGGTTAGCATCATCCAGTCATAGGAAGGGCCTGTGGACAGGGTC-3'
Protein context (NP_112224.1, residues 1596-1616): WMMLTPKHFP[Ser1606=]EDSDLAGEAG

ClinVar aggregate classification (germline): Likely benign. Review status: criteria provided, multiple submitters, no conflicts (2 of 4 stars). 3 submissions from 3 submitters: Likely benign (3). Last evaluated 2025-07-16.

Conditions:
Charcot-Marie-Tooth disease type 4. Also called: Charcot-Marie-Tooth disease, type IV; Charcot-Marie-Tooth, Type 4. Identifiers: Orphanet 64749, MedGen C4082197, MONDO:0018995.
SBF2-related disorder. Also called: SBF2-related condition.

Allele frequency attached by ClinVar (database versions not stated): gnomAD 0.00001; TOPMed 0.00002; ExAC 0.00003; gnomAD exomes 0.00003.
gnomAD v4.1: 43 of 1,614,042 alleles (0.0027%); highest among the groups gnomAD compares: East Asian, 0.0067%; no homozygotes.

Submissions (3):

PreventionGenetics, part of Exact Sciences
Classification: Likely benign for SBF2-related condition. Last evaluated: 2025-07-16. Review status: criteria provided, single submitter. Criteria: ACMG Guidelines, 2015. Collection method: clinical testing. Allele origin: germline.
Comment: This variant is classified as likely benign based on ACMG/AMP sequence variant interpretation guidelines (Richards et al. 2015 PMID: 25741868, with internal and published modifications).

Labcorp Genetics (formerly Invitae), Labcorp
Classification: Likely benign for Charcot-Marie-Tooth disease type 4. Last evaluated: 2024-03-15. Review status: criteria provided, single submitter. Criteria: Invitae Variant Classification Sherloc (09022015). Collection method: clinical testing. Allele origin: germline.

Blueprint Genetics
Classification: Likely benign. Last evaluated: 2022-09-13. Review status: criteria provided, single submitter. Criteria: ACMG Guidelines, 2015. Collection method: clinical testing. Allele origin: germline.